The following is an entry in ClinVar:

ClinVar aggregate classification (germline): Uncertain significance. Review status: criteria provided, multiple submitters, no conflicts (2 of 4 stars). 2 submissions from 2 submitters: Uncertain significance (2). Last evaluated 2024-08-19.

Allele frequency attached by ClinVar (database versions not stated): ExAC 0.00002; gnomAD 0.00002; gnomAD exomes 0.00002; TOPMed 0.00003.

Submissions (3):

Ambry Genetics
Classification: Uncertain significance. Last evaluated: 2024-08-19. Review status: criteria provided, single submitter. Criteria: Ambry Variant Classification Scheme 2023. Collection method: clinical testing. Allele origin: germline.

Labcorp Genetics (formerly Invitae), Labcorp
Classification: Uncertain significance. Last evaluated: 2023-02-06. Review status: criteria provided, single submitter. Criteria: Invitae Variant Classification Sherloc (09022015). Collection method: clinical testing. Allele origin: germline.
Comment: In summary, the available evidence is currently insufficient to determine the role of this variant in disease. Therefore, it has been classified as a Variant of Uncertain Significance. Advanced modeling of protein sequence and biophysical properties (such as structural, functional, and spatial information, amino acid conservation, physicochemical variation, residue mobility, and thermodynamic stability) has been performed at Invitae for this missense variant, however the output from this modeling did not meet the statistical confidence thresholds required to predict the impact of this variant on WNT3A protein function. This variant has not been reported in the literature in individuals affected with WNT3A-related conditions. This variant is present in population databases (rs529067103, gnomAD 0.03%). This sequence change replaces serine, which is neutral and polar, with cysteine, which is neutral and slightly polar, at codon 166 of the WNT3A protein (p.Ser166Cys).

Dr. Peter K. Rogan Lab, Western University
No classification provided (evidence only). Condition: Familial cancer of breast. Review status: no classification provided. Collection method: in vitro. Allele origin: not applicable. Functional consequence: retained intron. Not counted in ClinVar's aggregate classification.

NM_033131.4(WNT3A):c.497C>G (p.Ser166Cys)

Gene: WNT3A (Wnt family member 3A; plus strand). Cytogenetic location: 1q42.13.
Variant type: single nucleotide variant.
Coding change: c.497C>G on transcript NM_033131.4 (MANE Select); coding-DNA position 497, C replaced by G.
Protein change: p.Ser166Cys; replaces serine 166 with cysteine.
Molecular consequence: missense variant.
Genome position (GRCh38, 1-based): chr1:228,050,839, C>G. VCF-style: chr1-228050839-C-G. GRCh37 (hg19) VCF-style: chr1-228238540-C-G.
Other names: c.497C>G (NM_033131.3); short protein forms S166C.
Identifiers: ClinVar variation 2716598 (VCV002716598.5), dbSNP rs529067103, ClinGen allele CA1429468.
Genomic context (GRCh38, chr1:228,050,839, plus strand): 5'-CAGGCAAGGGCTGGAAGTGGGGTGGCTGTAGCGAGGACATCGAGTTTGGTGGGATGGTGT[C>G]TCGGGAGTTCGCCGACGCCCGGGAGAACCGGCCAGATGCCCGCTCAGCCATGAACCGCCA-3'
Protein context (NP_149122.1, residues 156-176): SEDIEFGGMV[Ser166Cys]REFADARENR